The following is an entry in ClinVar:

NM_000439.5(PCSK1):c.180+9T>C

Genes: CAST (calpastatin; plus strand), PCSK1 (proprotein convertase subtilisin/kexin type 1; minus strand), LOC101929710 (uncharacterized LOC101929710; plus strand). Cytogenetic location: 5q15.
Variant type: single nucleotide variant.
Coding change: c.180+9T>C on transcript NM_000439.5 (MANE Select); 9 bases into the intron after coding-DNA position 180, T replaced by C.
Molecular consequence: intron variant.
Genome position (GRCh38, 1-based): chr5:96,432,854, A>G on the plus strand (T>C on the coding strand, the complement: PCSK1 is on the minus strand). VCF-style: chr5-96432854-A-G. GRCh37 (hg19) VCF-style: chr5-95768558-A-G.
Other names: c.-175+53202A>G (NM_001423254.1, NM_001423259.1, NM_001423255.1 and 6 more transcripts); c.-103+53202A>G (NM_001423253.1); c.-40+53202A>G (NM_001423258.1).
Identifiers: ClinVar variation 4991749 (VCV004991749.1).

ClinVar aggregate classification (germline): Uncertain significance (1 of 4 stars; one submission).

Conditions:
PCSK1-related disorder. Also called: PCSK1-related condition.

gnomAD v4.1: 1 of 1,612,392 alleles (0.000062%); highest among the groups gnomAD compares: Non-Finnish European, 0.000085%; no homozygotes.

Submission:

PreventionGenetics, part of Exact Sciences
Classification: Uncertain significance for PCSK1-related condition. Last evaluated: 2026-09-15. Review status: criteria provided, single submitter. Criteria: ACMG Guidelines, 2015. Collection method: clinical testing. Allele origin: germline.
Comment: The PCSK1 c.180+9T>C variant is predicted to interfere with splicing. To our knowledge, this variant has not been reported in the literature. This variant is reported in 0.0029% of alleles in individuals of Latino descent in gnomAD. At this time, the clinical significance of this variant is uncertain due to the absence of conclusive functional and genetic evidence.